The following is an entry in ClinVar:

NM_003265.3(TLR3):c.2204A>G (p.Asn735Ser)

Gene: TLR3 (toll like receptor 3; plus strand). Cytogenetic location: 4q35.1.
Variant type: single nucleotide variant.
Coding change: c.2204A>G on transcript NM_003265.3 (MANE Select); coding-DNA position 2204, A replaced by G.
Protein change: p.Asn735Ser; replaces asparagine 735 with serine.
Molecular consequence: missense variant.
Genome position (GRCh38, 1-based): chr4:186,083,890, A>G. VCF-style: chr4-186083890-A-G. GRCh37 (hg19) VCF-style: chr4-187005044-A-G.
Other names: short protein forms N735S.
Identifiers: ClinVar variation 3017098 (VCV003017098.3), dbSNP rs2478229162, ClinGen allele CA358935567.

ClinVar aggregate classification (germline): Uncertain significance (1 of 4 stars; one submission).

Conditions:
Encephalopathy, acute, infection-induced (herpes-specific), susceptibility to, 1. Also called: Herpes simplex encephalitis, susceptibility to, 1. Identifiers: Orphanet 1930, MedGen C2750180, MONDO:0024563, OMIM 610551.

Submission:

Labcorp Genetics (formerly Invitae), Labcorp
Classification: Uncertain significance for Encephalopathy, acute, infection-induced (herpes-specific), susceptibility to, 1. Last evaluated: 2024-01-25. Review status: criteria provided, single submitter. Criteria: Invitae Variant Classification Sherloc (09022015). Collection method: clinical testing. Allele origin: germline.
Comment: This sequence change replaces asparagine, which is neutral and polar, with serine, which is neutral and polar, at codon 735 of the TLR3 protein (p.Asn735Ser). This variant is not present in population databases (gnomAD no frequency). This variant has not been reported in the literature in individuals affected with TLR3-related conditions. An algorithm developed to predict the effect of missense changes on protein structure and function (PolyPhen-2) suggests that this variant is likely to be tolerated. In summary, the available evidence is currently insufficient to determine the role of this variant in disease. Therefore, it has been classified as a Variant of Uncertain Significance.